The following is an entry in ClinVar:

ClinVar aggregate classification (germline): Pathogenic/Likely pathogenic. Review status: criteria provided, multiple submitters, no conflicts (2 of 4 stars). 2 submissions from 2 submitters: Pathogenic (1); Likely pathogenic (1). Last evaluated 2024-11-30.

Conditions:
Histiocytic medullary reticulosis. Also called: SEVERE COMBINED IMMUNODEFICIENCY WITH HYPEREOSINOPHILIA; Omenn syndrome. Identifiers: Orphanet 39041, MedGen C2700553, MONDO:0011338, OMIM 603554.
Severe combined immunodeficiency due to DCLRE1C deficiency (RS-SCID). Also called: SCID, AUTOSOMAL RECESSIVE, T CELL-NEGATIVE, B CELL-NEGATIVE, NK CELL-POSITIVE, WITH SENSITIVITY TO IONIZING RADIATION. Identifiers: Orphanet 275, MedGen C1865371, MONDO:0011225, OMIM 602450.

Submissions (2):

Labcorp Genetics (formerly Invitae), Labcorp
Classification: Pathogenic for Athabaskan severe combined immunodeficiency. Last evaluated: 2024-11-30. Review status: criteria provided, single submitter. Criteria: Invitae Variant Classification Sherloc (09022015). Collection method: clinical testing. Allele origin: germline.
Comment: This sequence change creates a premature translational stop signal (p.Gly224Glufs*6) in the DCLRE1C gene. It is expected to result in an absent or disrupted protein product. Loss-of-function variants in DCLRE1C are known to be pathogenic (PMID: 21664875, 26123418). This variant is not present in population databases (gnomAD no frequency). This variant has not been reported in the literature in individuals affected with DCLRE1C-related conditions. ClinVar contains an entry for this variant (Variation ID: 1071466). For these reasons, this variant has been classified as Pathogenic.

Baylor Genetics
Classification: Likely pathogenic for Histiocytic medullary reticulosis. Last evaluated: 2023-09-27. Review status: criteria provided, single submitter. Criteria: ACMG Guidelines, 2015. Collection method: clinical testing. Allele origin: unknown.

Literature cited by the submitters: PubMed 21664875 (cited by Labcorp Genetics (formerly Invitae), Labcorp); PubMed 26123418 (cited by Labcorp Genetics (formerly Invitae), Labcorp).

NM_001033855.3(DCLRE1C):c.671del (p.Gly224fs)

Gene: DCLRE1C (DNA cross-link repair 1C; minus strand). Cytogenetic location: 10p13.
Variant type: Deletion.
Coding change: c.671del on transcript NM_001033855.3 (MANE Select); coding-DNA position 671, one base deleted (G; older notation c.671delG).
Protein change: p.Gly224fs; shifts the reading frame from glycine 224.
Molecular consequence: frameshift variant. On other transcripts: non-coding transcript variant (4).
Genome position (GRCh38, 1-based): chr10:14,934,387, C deleted on the plus strand (G on the coding strand, the reverse complement: DCLRE1C is on the minus strand); the first of 2 consecutive C bases (chr10:14,934,387-14,934,388); deleting either gives the same sequence. VCF-style (leftmost placement, unchanged base first): chr10-14934386-TC-T. GRCh37 (hg19) VCF-style: chr10-14976385-TC-T.
Other names: c.311del, p.Gly104fs (NM_001033857.3, NM_001033858.3, NM_001289077.2 and 2 more transcripts); c.326del, p.Gly109fs (NM_001289076.2, NM_001289078.2, NM_001350966.2 and 1 more transcripts); c.671del, p.Gly224fs (NM_001350965.2); short protein forms G104fs, G109fs, G224fs.
Identifiers: ClinVar variation 1071466 (VCV001071466.8), dbSNP rs1407251815, ClinGen allele CA662141686.